The following is an entry in ClinVar:

ClinVar aggregate classification (germline): Uncertain significance (1 of 4 stars; one submission).

Conditions:
Perlman syndrome (PRLMNS). Identifiers: Orphanet 2849, MedGen C0796113, MONDO:0009965, OMIM 267000.

Allele frequency attached by ClinVar (database versions not stated): gnomAD exomes below 0.00001; ExAC 0.00001; TOPMed 0.00002.
gnomAD v4.1: 2 of 1,613,776 alleles (0.00012%); highest among the groups gnomAD compares: Admixed American, 0.0017%; no homozygotes.

Submission:

Labcorp Genetics (formerly Invitae), Labcorp
Classification: Uncertain significance for Perlman syndrome. Last evaluated: 2026-01-04. Review status: criteria provided, single submitter. Criteria: Invitae Variant Classification Sherloc (09022015). Collection method: clinical testing. Allele origin: germline.
Comment: This sequence change replaces aspartic acid, which is acidic and polar, with glycine, which is neutral and non-polar, at codon 295 of the DIS3L2 protein (p.Asp295Gly). This variant is present in population databases (rs780510878, gnomAD 0.006%). This variant has not been reported in the literature in individuals affected with DIS3L2-related conditions. ClinVar contains an entry for this variant (Variation ID: 948291). Invitae Evidence Modeling of protein sequence and biophysical properties (such as structural, functional, and spatial information, amino acid conservation, physicochemical variation, residue mobility, and thermodynamic stability) indicates that this missense variant is not expected to disrupt DIS3L2 protein function with a negative predictive value of 80%. In summary, the available evidence is currently insufficient to determine the role of this variant in disease. Therefore, it has been classified as a Variant of Uncertain Significance.

NM_152383.5(DIS3L2):c.884A>G (p.Asp295Gly)

Gene: DIS3L2 (DIS3 like 3'-5' exoribonuclease 2; plus strand). Cytogenetic location: 2q37.1.
Variant type: single nucleotide variant.
Coding change: c.884A>G on transcript NM_152383.5 (MANE Select); coding-DNA position 884, A replaced by G.
Protein change: p.Asp295Gly; replaces aspartic acid 295 with glycine.
Molecular consequence: missense variant. On other transcripts: non-coding transcript variant (1).
Genome position (GRCh38, 1-based): chr2:232,136,653, A>G. VCF-style: chr2-232136653-A-G. GRCh37 (hg19) VCF-style: chr2-233001363-A-G.
Other names: c.884A>G, p.Asp295Gly (NM_001257281.2); short protein forms D295G.
Identifiers: ClinVar variation 948291 (VCV000948291.7), dbSNP rs780510878, ClinGen allele CA2163966.